The following is an entry in ClinVar:

NM_000138.5(FBN1):c.2195A>G (p.Asp732Gly)

Gene: FBN1 (fibrillin 1; minus strand). Cytogenetic location: 15q21.1.
Variant type: single nucleotide variant.
Coding change: c.2195A>G on transcript NM_000138.5 (MANE Select); coding-DNA position 2195, A replaced by G.
Protein change: p.Asp732Gly; replaces aspartic acid 732 with glycine.
Molecular consequence: missense variant.
Genome position (GRCh38, 1-based): chr15:48,497,364, T>C on the plus strand (A>G on the coding strand, the complement: FBN1 is on the minus strand). VCF-style: chr15-48497364-T-C. GRCh37 (hg19) VCF-style: chr15-48789561-T-C.
Other names: c.2195A>G, p.Asp732Gly (NM_001406716.1); short protein forms D732G.
Identifiers: ClinVar variation 4759125 (VCV004759125.1).

ClinVar aggregate classification (germline): Uncertain significance (1 of 4 stars; one submission).

Conditions:
Familial thoracic aortic aneurysm and aortic dissection (TAAD). Also called: Thoracic aortic aneurysms and dissections. Identifiers: Orphanet 91387, MedGen C4707243, MONDO:0019625.

Submission:

Color Diagnostics, LLC DBA Color Health
Classification: Uncertain significance for Familial thoracic aortic aneurysm and aortic dissection. Last evaluated: 2025-07-25. Review status: criteria provided, single submitter. Criteria: ACMG Guidelines, 2015. Collection method: clinical testing. Allele origin: germline.
Comment: This missense variant replaces aspartic acid with glycine at codon 732 of the FBN1 protein. Computational prediction is inconclusive regarding the impact of this variant on protein structure and function. To our knowledge, functional studies have not been reported for this variant. This variant has not been reported in individuals affected with FBN1-related disorders in the literature. This variant has not been identified in the general population by the Genome Aggregation Database (gnomAD). The available evidence is insufficient to determine the role of this variant in disease conclusively. Therefore, this variant is classified as a Variant of Uncertain Significance.